The following is an entry in ClinVar:

ClinVar aggregate classification (germline): Uncertain significance (1 of 4 stars; one submission).

Conditions:
Inborn genetic diseases. Identifiers: MedGen C0950123, MeSH D030342.

gnomAD v4.1: 1 of 1,614,190 alleles (0.000062%); highest among the groups gnomAD compares: African/African-American, 0.0013%; no homozygotes.

Submission:

Ambry Genetics
Classification: Uncertain significance for Inborn genetic diseases. Last evaluated: 2025-02-05. Review status: criteria provided, single submitter. Criteria: Ambry Variant Classification Scheme 2023. Collection method: clinical testing. Allele origin: germline.
Comment: The p.H897R variant (also known as c.2690A>G), located in coding exon 13 of the ASXL1 gene, results from an A to G substitution at nucleotide position 2690. The histidine at codon 897 is replaced by arginine, an amino acid with highly similar properties. This amino acid position is conserved. In addition, this alteration is predicted to be tolerated by in silico analysis. Based on the available evidence, the clinical significance of this variant remains unclear.

NM_015338.6(ASXL1):c.2690A>G (p.His897Arg)

Gene: ASXL1 (ASXL transcriptional regulator 1; plus strand). Cytogenetic location: 20q11.21.
Variant type: single nucleotide variant.
Coding change: c.2690A>G on transcript NM_015338.6 (MANE Select); coding-DNA position 2690, A replaced by G.
Protein change: p.His897Arg; replaces histidine 897 with arginine.
Molecular consequence: missense variant.
Genome position (GRCh38, 1-based): chr20:32,435,402, A>G. VCF-style: chr20-32435402-A-G. GRCh37 (hg19) VCF-style: chr20-31023205-A-G.
Other names: c.2507A>G, p.His836Arg (NM_001363734.1); short protein forms H897R, H836R.
Identifiers: ClinVar variation 3793215 (VCV003793215.1).